The following is an entry in ClinVar:

ClinVar aggregate classification (germline): Pathogenic (1 of 4 stars; one submission).

Conditions:
Early-infantile DEE. Also called: Early infantile epileptic encephalopathy with suppression bursts; Early infantile epileptic encephalopathy; Ohtahara syndrome. Identifiers: Orphanet 1934, MedGen C0393706, MONDO:0800491.

Submission:

Labcorp Genetics (formerly Invitae), Labcorp
Classification: Pathogenic for Early-infantile DEE. Last evaluated: 2021-07-09. Review status: criteria provided, single submitter. Criteria: Invitae Variant Classification Sherloc (09022015). Collection method: clinical testing. Allele origin: germline.
Comment: This variant results in the deletion of part of exon 1 (c.74_264+41del) of the SCN1A gene. It is expected to disrupt RNA splicing. Variants that disrupt the donor or acceptor splice site typically lead to a loss of protein function (PMID: 16199547), and loss-of-function variants in SCN1A are known to be pathogenic (PMID: 17347258, 18930999). This variant is not present in population databases (ExAC no frequency). This variant has not been reported in the literature in individuals affected with SCN1A-related conditions. This variant disrupts a region of the SCN1A protein in which other variant(s) (p.Tyr84Cys) have been determined to be pathogenic (PMID: 17347258, 22050978, 23195492). This suggests that this is a clinically significant region of the protein, and that variants that disrupt it are likely to be disease-causing. For these reasons, this variant has been classified as Pathogenic.

Literature cited by the submitters: PubMed 16199547; PubMed 17347258; PubMed 18930999; PubMed 22050978; PubMed 23195492.

NM_001165963.4(SCN1A):c.74_264+41del

Gene: SCN1A (sodium voltage-gated channel alpha subunit 1; minus strand). Cytogenetic location: 2q24.3.
Variant type: Deletion.
Coding change: c.74_264+41del on transcript NM_001165963.4 (MANE Select); coding-DNA position 74 through 41 bases into the intron after coding-DNA position 264, 232 bases deleted.
Molecular consequence: splice donor variant.
Genome position (GRCh38, 1-based): chr2:166,073,317-166,073,548, 232 bases deleted. GRCh37 (hg19): chr2:166,929,827-166,930,058.
Other names: c.74_264+41del (NM_001353949.2, NM_001353958.2, NM_001353950.2 and 10 more transcripts); c.-2352_-2162+41del (NM_001353961.2).
Identifiers: ClinVar variation 1459082 (VCV001459082.7), dbSNP rs2105981661, ClinGen allele CA2573133494.